The following is an entry in ClinVar:

NM_005807.6(PRG4):c.659A>C (p.Asp220Ala)

Gene: PRG4 (proteoglycan 4; plus strand). Cytogenetic location: 1q31.1.
Variant type: single nucleotide variant.
Coding change: c.659A>C on transcript NM_005807.6 (MANE Select); coding-DNA position 659, A replaced by C.
Protein change: p.Asp220Ala; replaces aspartic acid 220 with alanine.
Molecular consequence: missense variant.
Genome position (GRCh38, 1-based): chr1:186,306,378, A>C. VCF-style: chr1-186306378-A-C. GRCh37 (hg19) VCF-style: chr1-186275510-A-C.
Other names: c.536A>C, p.Asp179Ala (NM_001127708.3); c.380A>C, p.Asp127Ala (NM_001127709.3); c.257A>C, p.Asp86Ala (NM_001127710.3); c.530A>C, p.Asp177Ala (NM_001303232.2); short protein forms D179A, D177A, D220A, D127A, D86A.
Identifiers: ClinVar variation 767737 (VCV000767737.6), dbSNP rs114532084, ClinGen allele CA1295919.

ClinVar aggregate classification (germline): Benign/Likely benign. Review status: criteria provided, multiple submitters, no conflicts (2 of 4 stars). 4 submissions from 4 submitters: Benign (3); Likely benign (1). Last evaluated 2026-07-08.

Conditions:
PRG4-related disorder. Also called: PRG4-related condition.

Allele frequency attached by ClinVar (database versions not stated): ExAC 0.00241; ESP Exome Variant Server 0.00677; gnomAD 0.00690 and 0.00734; 1000 Genomes Project 0.00719; TOPMed 0.00763; 1000 Genomes Project 30x 0.00812; gnomAD exomes 0.00088 and 0.00216.
gnomAD v4.1: 2,438 of 1,612,992 alleles (0.15%); highest among the groups gnomAD compares: African/African-American, 2.3%; 33 homozygotes.

Submissions (4):

PreventionGenetics, part of Exact Sciences
Classification: Benign for PRG4-related condition. Last evaluated: 2026-07-08. Review status: criteria provided, single submitter. Criteria: ACMG Guidelines, 2015. Collection method: clinical testing. Allele origin: germline.
Comment: This variant is classified as benign based on ACMG/AMP sequence variant interpretation guidelines (Richards et al. 2015 PMID: 25741868, with internal and published modifications).

Genomic Medicine Center of Excellence, King Faisal Specialist Hospital and Research Centre
Classification: Likely benign. Last evaluated: 2025-08-18. Review status: criteria provided, single submitter. Criteria: ACMG Guidelines, 2015. Collection method: clinical testing. Allele origin: germline.

Labcorp Genetics (formerly Invitae), Labcorp
Classification: Benign. Last evaluated: 2017-05-08. Review status: criteria provided, single submitter. Criteria: Invitae Variant Classification Sherloc (09022015). Collection method: clinical testing. Allele origin: germline.

Breakthrough Genomics
Classification: Benign. Review status: criteria provided, single submitter. Criteria: ACMG Guidelines, 2015. Collection method: not provided. Allele origin: germline. Inheritance: Autosomal recessive inheritance. Affected: yes.